The following is an entry in ClinVar:

NM_144773.4(PROKR2):c.140G>A (p.Arg47Gln)

Gene: PROKR2 (prokineticin receptor 2; minus strand). Cytogenetic location: 20p12.3.
Variant type: single nucleotide variant.
Coding change: c.140G>A on transcript NM_144773.4 (MANE Select); coding-DNA position 140, G replaced by A.
Protein change: p.Arg47Gln; replaces arginine 47 with glutamine.
Molecular consequence: missense variant.
Genome position (GRCh38, 1-based): chr20:5,314,230, C>T on the plus strand (G>A on the coding strand, the complement: PROKR2 is on the minus strand). VCF-style: chr20-5314230-C-T. GRCh37 (hg19) VCF-style: chr20-5294876-C-T.
Other names: c.140G>A (NM_144773.2); short protein forms R47Q.
Identifiers: ClinVar variation 2054258 (VCV002054258.5), dbSNP rs548595273, ClinGen allele CA9754426.

ClinVar aggregate classification (germline): Uncertain significance. Review status: criteria provided, multiple submitters, no conflicts (2 of 4 stars). 2 submissions from 2 submitters: Uncertain significance (2). Last evaluated 2025-08-08.

Conditions:
Inborn genetic diseases. Identifiers: MedGen C0950123, MeSH D030342.

Allele frequency attached by ClinVar (database versions not stated): gnomAD exomes 0.00003.
gnomAD v4.1: 52 of 1,614,020 alleles (0.0032%); highest among the groups gnomAD compares: South Asian, 0.029%; no homozygotes.

Submissions (2):

Ambry Genetics
Classification: Uncertain significance for Inborn genetic diseases. Last evaluated: 2025-08-08. Review status: criteria provided, single submitter. Criteria: Ambry Variant Classification Scheme 2023. Collection method: clinical testing. Allele origin: germline.

Labcorp Genetics (formerly Invitae), Labcorp
Classification: Uncertain significance. Last evaluated: 2022-10-17. Review status: criteria provided, single submitter. Criteria: Invitae Variant Classification Sherloc (09022015). Collection method: clinical testing. Allele origin: germline.
Comment: This sequence change replaces arginine, which is basic and polar, with glutamine, which is neutral and polar, at codon 47 of the PROKR2 protein (p.Arg47Gln). This variant is present in population databases (rs548595273, gnomAD 0.03%). This variant has not been reported in the literature in individuals affected with PROKR2-related conditions. Advanced modeling of protein sequence and biophysical properties (such as structural, functional, and spatial information, amino acid conservation, physicochemical variation, residue mobility, and thermodynamic stability) performed at Invitae indicates that this missense variant is not expected to disrupt PROKR2 protein function. In summary, the available evidence is currently insufficient to determine the role of this variant in disease. Therefore, it has been classified as a Variant of Uncertain Significance.